The following is an entry in ClinVar:

ClinVar aggregate classification (germline): Uncertain significance (0 of 4 stars; one submission).

Conditions:
PROK2-related disorder. Also called: PROK2-related condition.

Allele frequency attached by ClinVar (database versions not stated): gnomAD exomes 0.00001; ExAC 0.00002; gnomAD 0.00002; TOPMed 0.00002.
gnomAD v4.1: 19 of 1,613,896 alleles (0.0012%); highest among the groups gnomAD compares: South Asian, 0.0066%; no homozygotes.

Submission:

PreventionGenetics, part of Exact Sciences
Classification: Uncertain significance for PROK2-related condition. Last evaluated: 2023-12-12. Review status: no assertion criteria provided. Collection method: clinical testing. Allele origin: germline.
Comment: The PROK2 c.218G>A variant is predicted to result in the amino acid substitution p.Arg73His. This variant was reported women with normosmic idiopathic hypogonadotropic hypogonadism (nIHH), although no additional functional or segregation data that could help determine pathogenicity was reported (Shaw et al 2011. PubMed ID: 21209029, Supplementary Table 1). This variant is reported in 0.0033% of alleles in individuals of South Asian descent in gnomAD. At this time, the clinical significance of this variant is uncertain due to the absence of conclusive functional and genetic evidence.

NM_001126128.2(PROK2):c.218G>A (p.Arg73His)

Gene: PROK2 (prokineticin 2; minus strand). Cytogenetic location: 3p13.
Variant type: single nucleotide variant.
Coding change: c.218G>A on transcript NM_001126128.2 (MANE Select); coding-DNA position 218, G replaced by A.
Protein change: p.Arg73His; replaces arginine 73 with histidine.
Molecular consequence: missense variant.
Genome position (GRCh38, 1-based): chr3:71,781,471, C>T on the plus strand (G>A on the coding strand, the complement: PROK2 is on the minus strand). VCF-style: chr3-71781471-C-T. GRCh37 (hg19) VCF-style: chr3-71830622-C-T.
Other names: c.218G>A, p.Arg73His (NM_021935.4); short protein forms R73H.
Identifiers: ClinVar variation 3030705 (VCV003030705.2), dbSNP rs773442177, ClinGen allele CA2491995.